The following is an entry in ClinVar:

ClinVar aggregate classification (germline): Uncertain significance (1 of 4 stars; one submission).

Submission:

Labcorp Genetics (formerly Invitae), Labcorp
Classification: Uncertain significance. Last evaluated: 2022-06-13. Review status: criteria provided, single submitter. Criteria: Invitae Variant Classification Sherloc (09022015). Collection method: clinical testing. Allele origin: germline.
Comment: In summary, the available evidence is currently insufficient to determine the role of this variant in disease. Therefore, it has been classified as a Variant of Uncertain Significance. Algorithms developed to predict the effect of missense changes on protein structure and function are either unavailable or do not agree on the potential impact of this missense change (SIFT: "Deleterious"; PolyPhen-2: "Benign"; Align-GVGD: "Class C15"). This variant has not been reported in the literature in individuals affected with HMCN1-related conditions. This variant is not present in population databases (gnomAD no frequency). This sequence change replaces aspartic acid, which is acidic and polar, with glycine, which is neutral and non-polar, at codon 5500 of the HMCN1 protein (p.Asp5500Gly).

NM_031935.3(HMCN1):c.16499A>G (p.Asp5500Gly)

Genes: HMCN1 (hemicentin 1; plus strand), LOC126805953 (P300/CBP strongly-dependent group 1 enhancer GRCh37_chr1:186156636-186157835; plus strand). Cytogenetic location: 1q31.1.
Variant type: single nucleotide variant.
Coding change: c.16499A>G on transcript NM_031935.3 (MANE Select); coding-DNA position 16499, A replaced by G.
Protein change: p.Asp5500Gly; replaces aspartic acid 5500 with glycine.
Molecular consequence: missense variant.
Genome position (GRCh38, 1-based): chr1:186,187,967, A>G. VCF-style: chr1-186187967-A-G. GRCh37 (hg19) VCF-style: chr1-186157099-A-G.
Other names: short protein forms D5500G.
Identifiers: ClinVar variation 2001505 (VCV002001505.4), dbSNP rs2102683447, ClinGen allele CA343904351.
Genomic context (GRCh38, chr1:186,187,967, plus strand): 5'-ATGTGCACTGTGGACCCAATCGCATGTGCTTCAACATGAGAGGAAGCTACCAGTGCATCG[A>G]TACACCCTGTCCACCCAACTACCAACGGGATCCTGTTTCAGGGTATGTCTTGCCTTCTCA-3'
Protein context (NP_114141.2, residues 5490-5510): FNMRGSYQCI[Asp5500Gly]TPCPPNYQRD